The following is an entry in ClinVar:

ClinVar aggregate classification (germline): Pathogenic. Review status: criteria provided, multiple submitters, no conflicts (2 of 4 stars). 2 submissions from 2 submitters: Pathogenic (2). Last evaluated 2026-04-01.

Conditions:
Hypotonia, ataxia, and delayed development syndrome (HADDS). Also called: EBF3 Neurodevelopmental Disorder. Identifiers: Orphanet 658843, MedGen C4310618, MONDO:0015021, OMIM 617330.

Submissions (2):

CeGaT Center for Human Genetics Tuebingen
Classification: Pathogenic. Last evaluated: 2026-04-01. Review status: criteria provided, single submitter. Criteria: CeGaT Center For Human Genetics Tuebingen Variant Classification Criteria Version 2. Collection method: clinical testing. Allele origin: germline. Affected: yes. Observed: 2 variant alleles.
Comment: EBF3: PVS1, PM2, PS2:Moderate

Institute of Medical Genetics and Applied Genomics, University Hospital Tübingen
Classification: Pathogenic for Hypotonia, ataxia, and delayed development syndrome. Last evaluated: 2024-06-28. Review status: criteria provided, single submitter. Criteria: ACMG Guidelines, 2015. Collection method: clinical testing. Allele origin: germline. Inheritance: Autosomal dominant inheritance. Affected: yes.

NM_001375380.1(EBF3):c.347dup (p.Tyr116Ter)

Gene: EBF3 (EBF transcription factor 3; minus strand). Cytogenetic location: 10q26.3.
Variant type: Duplication.
Coding change: c.347dup on transcript NM_001375380.1 (MANE Select); coding-DNA position 347, one base duplicated (A; older notation c.347dupA).
Protein change: p.Tyr116Ter; replaces tyrosine 116 with a stop codon.
Molecular consequence: nonsense.
Genome position (GRCh38, 1-based): chr10:129,962,950, T duplicated on the plus strand (A on the coding strand, the reverse complement: EBF3 is on the minus strand). VCF-style (leftmost placement, unchanged base first): chr10-129962949-G-GT. GRCh37 (hg19) VCF-style: chr10-131761213-G-GT.
Other names: c.347dup, p.Tyr116Ter (NM_001005463.3, NM_001375379.1, NM_001375389.1 and 3 more transcripts); short protein forms Y116*.
Identifiers: ClinVar variation 3242598 (VCV003242598.15), dbSNP rs2493674575.